The following is an entry in ClinVar:

ClinVar aggregate classification (germline): Uncertain significance (1 of 4 stars; one submission).

Allele frequency attached by ClinVar (database versions not stated): gnomAD exomes below 0.00001; TOPMed 0.00001.

Submission:

Labcorp Genetics (formerly Invitae), Labcorp
Classification: Uncertain significance. Last evaluated: 2022-08-19. Review status: criteria provided, single submitter. Criteria: Invitae Variant Classification Sherloc (09022015). Collection method: clinical testing. Allele origin: germline.
Comment: This sequence change replaces methionine, which is neutral and non-polar, with valine, which is neutral and non-polar, at codon 199 of the CLPP protein (p.Met199Val). This variant has not been reported in the literature in individuals affected with CLPP-related conditions. This variant is not present in population databases (gnomAD no frequency). In summary, the available evidence is currently insufficient to determine the role of this variant in disease. Therefore, it has been classified as a Variant of Uncertain Significance. Algorithms developed to predict the effect of missense changes on protein structure and function (SIFT, PolyPhen-2, Align-GVGD) all suggest that this variant is likely to be tolerated.

NM_006012.4(CLPP):c.595A>G (p.Met199Val)

Gene: CLPP (caseinolytic mitochondrial matrix peptidase proteolytic subunit; plus strand). Cytogenetic location: 19p13.3.
Variant type: single nucleotide variant.
Coding change: c.595A>G on transcript NM_006012.4 (MANE Select); coding-DNA position 595, A replaced by G.
Protein change: p.Met199Val; replaces methionine 199 with valine.
Molecular consequence: missense variant.
Genome position (GRCh38, 1-based): chr19:6,366,297, A>G. VCF-style: chr19-6366297-A-G. GRCh37 (hg19) VCF-style: chr19-6366308-A-G.
Other names: short protein forms M199V.
Identifiers: ClinVar variation 1935134 (VCV001935134.5), dbSNP rs1383713690, ClinGen allele CA403590315.